The following is an entry in ClinVar:

NM_183075.3(CYP2U1):c.1132G>A (p.Val378Ile)

Gene: CYP2U1 (cytochrome P450 family 2 subfamily U member 1; plus strand). Cytogenetic location: 4q25.
Variant type: single nucleotide variant.
Coding change: c.1132G>A on transcript NM_183075.3 (MANE Select); coding-DNA position 1132, G replaced by A.
Protein change: p.Val378Ile; replaces valine 378 with isoleucine.
Molecular consequence: missense variant.
Genome position (GRCh38, 1-based): chr4:107,947,381, G>A. VCF-style: chr4-107947381-G-A. GRCh37 (hg19) VCF-style: chr4-108868537-G-A.
Other names: p.Val378Ile; short protein forms V378I.
Identifiers: ClinVar variation 695574 (VCV000695574.14), dbSNP rs61740284, ClinGen allele CA3037132.

ClinVar aggregate classification (germline): Conflicting classifications of pathogenicity. Review status: criteria provided, conflicting classifications (1 of 4 stars). 4 submissions from 4 submitters: Uncertain significance (1); Likely benign (3). Last evaluated 2025-12-25.

Conditions:
Spastic paraplegia. Identifiers: MedGen C0037772, HP:0001258.

Allele frequency attached by ClinVar (database versions not stated): ExAC 0.00035; 1000 Genomes Project 0.00120; 1000 Genomes Project 30x 0.00125; gnomAD 0.00131 and 0.00140; TOPMed 0.00147; ESP Exome Variant Server 0.00200.
gnomAD v4.1: 381 of 1,614,074 alleles (0.024%); highest among the groups gnomAD compares: African/African-American, 0.46%; 2 homozygotes.

Submissions (4):

Labcorp Genetics (formerly Invitae), Labcorp
Classification: Likely benign for Spastic paraplegia. Last evaluated: 2025-12-25. Review status: criteria provided, single submitter. Criteria: Invitae Variant Classification Sherloc (09022015). Collection method: clinical testing. Allele origin: germline.

Mayo Clinic Laboratories, Mayo Clinic
Classification: Uncertain significance. Last evaluated: 2023-09-20. Review status: criteria provided, single submitter. Criteria: ACMG Guidelines, 2015. Collection method: clinical testing. Allele origin: germline. Observed: 1 variant allele.
Comment: BS1

GeneDx
Classification: Likely benign. Last evaluated: 2021-05-07. Review status: criteria provided, single submitter. Criteria: GeneDx Variant Classification Process June 2021. Collection method: clinical testing. Allele origin: germline. Affected: yes.
Comment: This variant is associated with the following publications: (PMID: 20630735)

Breakthrough Genomics
Classification: Likely benign. Review status: criteria provided, single submitter. Criteria: ACMG Guidelines, 2015. Collection method: not provided. Allele origin: germline. Inheritance: Autosomal recessive inheritance. Affected: yes.